The following is an entry in ClinVar:

ClinVar aggregate classification (germline): Conflicting classifications of pathogenicity. Review status: criteria provided, conflicting classifications (1 of 4 stars). 5 submissions from 5 submitters: Uncertain significance (4); Likely benign (1). Last evaluated 2025-12-16.

Conditions:
Hereditary cancer-predisposing syndrome. Also called: Neoplastic Syndromes, Hereditary; Tumor predisposition; Hereditary Cancer Syndrome; Hereditary neoplastic syndrome. Identifiers: Orphanet 140162, MedGen C0027672, MeSH D009386, MONDO:0015356.
Breast-ovarian cancer, familial, susceptibility to, 4. Identifiers: Orphanet 145, MedGen C3280345, MONDO:0013669, OMIM 614291.

Allele frequency attached by ClinVar (database versions not stated): ExAC 0.00001; gnomAD exomes 0.00001.
gnomAD v4.1: 11 of 1,614,202 alleles (0.00068%); highest among the groups gnomAD compares: South Asian, 0.0011%; no homozygotes.

Submissions (5):

Color Diagnostics, LLC DBA Color Health
Classification: Uncertain significance for Hereditary cancer-predisposing syndrome. Last evaluated: 2025-12-16. Review status: criteria provided, single submitter. Criteria: ACMG Guidelines, 2015. Collection method: clinical testing. Allele origin: germline.
Comment: This missense variant replaces glycine with serine at codon 289 of the RAD51D protein. Computational prediction suggests that this variant may not impact protein structure and function. To our knowledge, functional studies have not been reported for this variant. This variant has been reported in an individual affected with breast cancer (PMID: 30111881), and it also has been detected in a breast cancer case-control meta-analysis in 1/53461 unaffected individuals and absent in 60466 cases (PMID: 33471991LOVD DB-ID RAD51D_000052). This variant has been identified in 11/1614202 chromosomes in the general population by the Genome Aggregation Database (gnomAD). The available evidence is insufficient to determine the role of this variant in disease conclusively. Therefore, this variant is classified as a Variant of Uncertain Significance.

Labcorp Genetics (formerly Invitae), Labcorp
Classification: Uncertain significance for Breast-ovarian cancer, familial, susceptibility to, 4. Last evaluated: 2025-11-17. Review status: criteria provided, single submitter. Criteria: Invitae Variant Classification Sherloc (09022015). Collection method: clinical testing. Allele origin: germline.
Comment: This sequence change replaces glycine, which is neutral and non-polar, with serine, which is neutral and polar, at codon 289 of the RAD51D protein (p.Gly289Ser). This variant is present in population databases (rs587782129, gnomAD 0.003%). This missense change has been observed in individual(s) with breast cancer (PMID: 30111881). ClinVar contains an entry for this variant (Variation ID: 141945). Invitae Evidence Modeling of protein sequence and biophysical properties (such as structural, functional, and spatial information, amino acid conservation, physicochemical variation, residue mobility, and thermodynamic stability) indicates that this missense variant is not expected to disrupt RAD51D protein function with a negative predictive value of 80%. In summary, the available evidence is currently insufficient to determine the role of this variant in disease. Therefore, it has been classified as a Variant of Uncertain Significance.

GeneDx
Classification: Uncertain significance. Last evaluated: 2024-05-29. Review status: criteria provided, single submitter. Criteria: GeneDx Variant Classification Process June 2021. Collection method: clinical testing. Allele origin: germline. Affected: yes.
Comment: Not observed at significant frequency in large population cohorts (gnomAD); In silico analysis indicates that this missense variant does not alter protein structure/function; Identified in an individual with personal and family history of breast cancer (PMID: 30111881); This variant is associated with the following publications: (PMID: 27397505, 21111057, 14704354, 19327148, 36243179, 30111881)

Ambry Genetics
Classification: Likely benign for Hereditary cancer-predisposing syndrome. Last evaluated: 2019-03-29. Review status: criteria provided, single submitter. Criteria: Ambry Variant Classification Scheme 2023. Collection method: clinical testing. Allele origin: germline.

Women's Health and Genetics/Laboratory Corporation of America, LabCorp
Classification: Uncertain significance. Last evaluated: 2019-01-15. Review status: criteria provided, single submitter. Criteria: LabCorp Variant Classification Summary - May 2015. Collection method: clinical testing. Allele origin: germline.
Comment: Variant summary: The variant, RAD51D c.865G>A (p.Gly289Ser) results in a non-conservative amino acid change located in the c-terminus of DNA recombination and repair protein Rad51-like. Four of five in-silico tools predict a benign effect of the variant on protein function. The variant allele was found at a frequency of 1.2e-05 in 246204 control chromosomes (gnomAD). The available data on variant occurrences in the general population are insufficient to allow any conclusion about variant significance. The variant, c.865G>A has been reported in the literature in an individual affected with breast cancer (Konstanta_2018). This report, however does not provide unequivocal conclusions about association of the variant with Hereditary Breast and Ovarian Cancer. To our knowledge, no experimental evidence demonstrating an impact on protein function has been reported. Three clinical diagnostic laboratories have submitted clinical-significance assessments for this variant to ClinVar after 2014 without evidence for independent evaluation, one classified as likely benign while two classified as VUS. Based on the evidence outlined above, the variant was classified as uncertain significance.

Literature cited by the submitters: PubMed 30111881 (cited by Color Diagnostics, LLC DBA Color Health and Labcorp Genetics (formerly Invitae), Labcorp); PubMed 33471991 (cited by Color Diagnostics, LLC DBA Color Health).

NM_002878.4(RAD51D):c.865G>A (p.Gly289Ser)

Genes: RAD51L3-RFFL (RAD51L3-RFFL readthrough; minus strand), RAD51D (RAD51 paralog D; minus strand). Cytogenetic location: 17q12.
Variant type: single nucleotide variant.
Coding change: c.865G>A on transcript NM_002878.4 (MANE Select); coding-DNA position 865, G replaced by A.
Protein change: p.Gly289Ser; replaces glycine 289 with serine.
Molecular consequence: missense variant. On other transcripts: non-coding transcript variant (3).
Genome position (GRCh38, 1-based): chr17:35,101,239, C>T on the plus strand (G>A on the coding strand, the complement: RAD51D is on the minus strand). VCF-style: chr17-35101239-C-T. GRCh37 (hg19) VCF-style: chr17-33428258-C-T.
Other names: c.925G>A, p.Gly309Ser (NM_001142571.2); c.529G>A, p.Gly177Ser (NM_133629.3); short protein forms G289S, G177S, G309S.
Identifiers: ClinVar variation 141945 (VCV000141945.22), dbSNP rs587782129, ClinGen allele CA166871.